The following is an entry in ClinVar:

NM_000051.4(ATM):c.7244C>T (p.Ala2415Val)

Genes: ATM (ATM serine/threonine kinase; plus strand), C11orf65 (chromosome 11 open reading frame 65; minus strand). Cytogenetic location: 11q22.3.
Variant type: single nucleotide variant.
Coding change: c.7244C>T on transcript NM_000051.4 (MANE Select); coding-DNA position 7244, C replaced by T.
Protein change: p.Ala2415Val; replaces alanine 2415 with valine.
Molecular consequence: missense variant. On other transcripts: intron variant (2).
Genome position (GRCh38, 1-based): chr11:108,329,175, C>T. VCF-style: chr11-108329175-C-T. GRCh37 (hg19) VCF-style: chr11-108199902-C-T.
Other names: c.7244C>T, p.Ala2415Val (NM_001351834.2); c.641-20104G>A (NM_001330368.2); c.*38+6045G>A (NM_001351110.2); short protein forms A2415V.
Identifiers: ClinVar variation 628910 (VCV000628910.14), dbSNP rs370567994, ClinGen allele CA382559712.

ClinVar aggregate classification (germline): Uncertain significance. Review status: criteria provided, multiple submitters, no conflicts (2 of 4 stars). 3 submissions from 3 submitters: Uncertain significance (3). Last evaluated 2026-03-23.

Conditions:
Ataxia-telangiectasia syndrome (AT). Also called: Ataxia-telangiectasia, complementation group D; AT, COMPLEMENTATION GROUP C; ATAXIA-TELANGIECTASIA, COMPLEMENTATION GROUP A; ATAXIA-TELANGIECTASIA, FRESNO VARIANT; Ataxia-telangiectasia; LOUIS-BAR SYNDROME. Identifiers: Orphanet 100, MedGen C0004135, MONDO:0008840, OMIM 208900.
Hereditary cancer-predisposing syndrome. Also called: Tumor predisposition; Hereditary neoplastic syndrome; Neoplastic Syndromes, Hereditary; Hereditary Cancer Syndrome. Identifiers: Orphanet 140162, MedGen C0027672, MeSH D009386, MONDO:0015356.

Submissions (3):

Ambry Genetics
Classification: Uncertain significance for Hereditary cancer-predisposing syndrome. Last evaluated: 2026-03-23. Review status: criteria provided, single submitter. Criteria: Ambry Variant Classification Scheme 2023. Collection method: clinical testing. Allele origin: germline.
Comment: The p.A2415V variant (also known as c.7244C>T), located in coding exon 48 of the ATM gene, results from a C to T substitution at nucleotide position 7244. The alanine at codon 2415 is replaced by valine, an amino acid with similar properties. In an assay testing ATM function, this variant showed a functionally normal result (Lee KS et al. Cell, 2025 Sep;188:5081-5099.e27). This amino acid position is well conserved in available vertebrate species. In addition, the in silico prediction for this alteration is inconclusive. Based on the available evidence, the clinical significance of this variant remains unclear.

Color Diagnostics, LLC DBA Color Health
Classification: Uncertain significance for Hereditary cancer-predisposing syndrome. Last evaluated: 2023-12-05. Review status: criteria provided, single submitter. Criteria: ACMG Guidelines, 2015. Collection method: clinical testing. Allele origin: germline.
Comment: This missense variant replaces alanine with valine at codon 2415 of the ATM protein. Computational prediction suggests that this variant may not impact protein structure and function (internally defined REVEL score threshold <= 0.5, PMID: 27666373). To our knowledge, functional studies have not been reported for this variant. This variant has not been reported in individuals affected with ATM-related disorders in the literature. This variant has not been identified in the general population by the Genome Aggregation Database (gnomAD). The available evidence is insufficient to determine the role of this variant in disease conclusively. Therefore, this variant is classified as a Variant of Uncertain Significance.

Labcorp Genetics (formerly Invitae), Labcorp
Classification: Uncertain significance for Ataxia-telangiectasia syndrome. Last evaluated: 2020-03-08. Review status: criteria provided, single submitter. Criteria: Invitae Variant Classification Sherloc (09022015). Collection method: clinical testing. Allele origin: germline.
Comment: Algorithms developed to predict the effect of missense changes on protein structure and function are either unavailable or do not agree on the potential impact of this missense change (SIFT: "Tolerated"; PolyPhen-2: "Possibly Damaging"; Align-GVGD: "Class C0"). In summary, the available evidence is currently insufficient to determine the role of this variant in disease. Therefore, it has been classified as a Variant of Uncertain Significance. This variant has not been reported in the literature in individuals with ATM-related conditions. ClinVar contains an entry for this variant (Variation ID: 628910). This sequence change replaces alanine with valine at codon 2415 of the ATM protein (p.Ala2415Val). The alanine residue is moderately conserved and there is a small physicochemical difference between alanine and valine. This variant is not present in population databases (ExAC no frequency).

Literature cited by the submitters: PubMed 40580951 (cited by Ambry Genetics).